The following is an entry in ClinVar:

NM_006214.4(PHYH):c.290G>A (p.Gly97Glu)

Gene: PHYH (phytanoyl-CoA 2-hydroxylase; minus strand). Cytogenetic location: 10p13.
Variant type: single nucleotide variant.
Coding change: c.290G>A on transcript NM_006214.4 (MANE Select); coding-DNA position 290, G replaced by A.
Protein change: p.Gly97Glu; replaces glycine 97 with glutamic acid.
Molecular consequence: missense variant. On other transcripts: 5 prime UTR variant (3).
Genome position (GRCh38, 1-based): chr10:13,294,552, C>T on the plus strand (G>A on the coding strand, the complement: PHYH is on the minus strand). VCF-style: chr10-13294552-C-T. GRCh37 (hg19) VCF-style: chr10-13336552-C-T.
Other names: c.-11G>A (NM_001037537.2, NM_001323080.2, NM_001323084.2); c.290G>A, p.Gly97Glu (NM_001323082.2, NM_001323083.2); short protein forms G97E.
Identifiers: ClinVar variation 840211 (VCV000840211.7), dbSNP rs375508574, ClinGen allele CA5412423.

ClinVar aggregate classification (germline): Conflicting classifications of pathogenicity. Review status: criteria provided, conflicting classifications (1 of 4 stars). 4 submissions from 4 submitters: Uncertain significance (3); Benign (1). Last evaluated 2024-11-22.

Conditions:
Inborn genetic diseases. Identifiers: MedGen C0950123, MeSH D030342.
Intellectual disability. Also called: intellectual disabilities; Intellectual functioning disability; Intellectual developmental disorder. Identifiers: MedGen C3714756, MeSH D008607, MONDO:0001071, HP:0001249.

Allele frequency attached by ClinVar (database versions not stated): ESP Exome Variant Server 0.00008; gnomAD exomes 0.00008 and 0.00019; gnomAD 0.00017 and 0.00018; ExAC 0.00021; TOPMed 0.00046.
gnomAD v4.1: 165 of 1,613,966 alleles (0.01%); highest among the groups gnomAD compares: Middle Eastern, 0.066%; no homozygotes.

Submissions (4):

Blueprint Genetics
Classification: Uncertain significance. Last evaluated: 2024-11-22. Review status: criteria provided, single submitter. Criteria: ACMG Guidelines, 2015. Collection method: clinical testing. Allele origin: germline.

Labcorp Genetics (formerly Invitae), Labcorp
Classification: Uncertain significance. Last evaluated: 2022-10-13. Review status: criteria provided, single submitter. Criteria: Invitae Variant Classification Sherloc (09022015). Collection method: clinical testing. Allele origin: germline.
Comment: This sequence change replaces glycine, which is neutral and non-polar, with glutamic acid, which is acidic and polar, at codon 97 of the PHYH protein (p.Gly97Glu). This variant is present in population databases (rs375508574, gnomAD 0.05%). This variant has not been reported in the literature in individuals affected with PHYH-related conditions. ClinVar contains an entry for this variant (Variation ID: 840211). Advanced modeling of protein sequence and biophysical properties (such as structural, functional, and spatial information, amino acid conservation, physicochemical variation, residue mobility, and thermodynamic stability) performed at Invitae indicates that this missense variant is not expected to disrupt PHYH protein function. In summary, the available evidence is currently insufficient to determine the role of this variant in disease. Therefore, it has been classified as a Variant of Uncertain Significance.

Ambry Genetics
Classification: Uncertain significance for Inborn genetic diseases. Last evaluated: 2021-10-22. Review status: criteria provided, single submitter. Criteria: Ambry Variant Classification Scheme 2023. Collection method: clinical testing. Allele origin: germline.

Cambridge Genomics Laboratory, East Genomic Laboratory Hub, NHS Genomic Medicine Service
Classification: Benign for Intellectual disability. Last evaluated: 2019-10-17. Review status: criteria provided, single submitter. Criteria: ACGS Best Practice Guidelines for Variant Classification in Rare Disease 2020. Collection method: clinical testing. Allele origin: germline. Affected: yes. Observed: 1 variant allele.